The following is an entry in ClinVar:

ClinVar aggregate classification (germline): Uncertain significance. Review status: criteria provided, multiple submitters, no conflicts (2 of 4 stars). 2 submissions from 2 submitters: Uncertain significance (2). Last evaluated 2025-06-10.

Conditions:
Inborn genetic diseases. Identifiers: MedGen C0950123, MeSH D030342.

Allele frequency attached by ClinVar (database versions not stated): gnomAD exomes below 0.00001; ExAC 0.00001; gnomAD 0.00001; TOPMed 0.00002.
gnomAD v4.1: 5 of 1,609,114 alleles (0.00031%); highest among the groups gnomAD compares: Admixed American, 0.0017%; no homozygotes.

Submissions (2):

Ambry Genetics
Classification: Uncertain significance for Inborn genetic diseases. Last evaluated: 2025-06-10. Review status: criteria provided, single submitter. Criteria: Ambry Variant Classification Scheme 2023. Collection method: clinical testing. Allele origin: germline.

Labcorp Genetics (formerly Invitae), Labcorp
Classification: Uncertain significance. Last evaluated: 2024-03-04. Review status: criteria provided, single submitter. Criteria: Invitae Variant Classification Sherloc (09022015). Collection method: clinical testing. Allele origin: germline.
Comment: This sequence change replaces arginine, which is basic and polar, with lysine, which is basic and polar, at codon 33 of the AIMP2 protein (p.Arg33Lys). This variant is present in population databases (rs759928476, gnomAD 0.003%). This variant has not been reported in the literature in individuals affected with AIMP2-related conditions. ClinVar contains an entry for this variant (Variation ID: 2184381). Algorithms developed to predict the effect of missense changes on protein structure and function output the following: SIFT: "Not Available"; PolyPhen-2: "Benign"; Align-GVGD: "Not Available". The lysine amino acid residue is found in multiple mammalian species, which suggests that this missense change does not adversely affect protein function. In summary, the available evidence is currently insufficient to determine the role of this variant in disease. Therefore, it has been classified as a Variant of Uncertain Significance.

NM_006303.4(AIMP2):c.98G>A (p.Arg33Lys)

Gene: AIMP2 (aminoacyl tRNA synthetase complex interacting multifunctional protein 2; plus strand). Cytogenetic location: 7p22.1.
Variant type: single nucleotide variant.
Coding change: c.98G>A on transcript NM_006303.4 (MANE Select); coding-DNA position 98, G replaced by A.
Protein change: p.Arg33Lys; replaces arginine 33 with lysine.
Molecular consequence: missense variant. On other transcripts: 5 prime UTR variant (1), intron variant (3).
Genome position (GRCh38, 1-based): chr7:6,009,461, G>A. VCF-style: chr7-6009461-G-A. GRCh37 (hg19) VCF-style: chr7-6049092-G-A.
Other names: c.98G>A, p.Arg33Lys (NM_001326607.2); c.-223G>A (NM_001326609.2); c.-238+83G>A (NM_001326611.3); c.-251+83G>A (NM_001326610.2); c.15+83G>A (NM_001326606.2); c.98G>A (NM_006303.3); short protein forms R33K.
Identifiers: ClinVar variation 2184381 (VCV002184381.5), dbSNP rs759928476, ClinGen allele CA4150200.
Genomic context (GRCh38, chr7:6,009,461, plus strand): 5'-GCGCGCCTCTCCGTGTGGAGCTTCCCACCTGCATGTACCGGCTCCCCAACGTGCACGGCA[G>A]GAGCTACGGCCCAGCGCCGGGCGCTGGCCACGTGCAGGTAGGAGCGCGGGGCCCCCCGCC-3'
Protein context (NP_006294.2, residues 23-43): CMYRLPNVHG[Arg33Lys]SYGPAPGAGH